The following is an entry in ClinVar:

NM_001846.4(COL4A2):c.1501C>A (p.Pro501Thr)

Genes: COL4A2 (collagen type IV alpha 2 chain; plus strand), COL4A2-AS2 (COL4A2 antisense RNA 2; minus strand). Cytogenetic location: 13q34.
Variant type: single nucleotide variant.
Coding change: c.1501C>A on transcript NM_001846.4 (MANE Select); coding-DNA position 1501, C replaced by A.
Protein change: p.Pro501Thr; replaces proline 501 with threonine.
Molecular consequence: missense variant.
Genome position (GRCh38, 1-based): chr13:110,458,839, C>A. VCF-style: chr13-110458839-C-A. GRCh37 (hg19) VCF-style: chr13-111111186-C-A.
Other names: short protein forms P501T.
Identifiers: ClinVar variation 4057149 (VCV004057149.1).

ClinVar aggregate classification (germline): Uncertain significance (1 of 4 stars; one submission).

gnomAD v4.1: 1 of 1,613,766 alleles (0.000062%); highest among the groups gnomAD compares: Non-Finnish European, 0.000085%; no homozygotes.

Submission:

GeneDx
Classification: Uncertain significance. Last evaluated: 2025-01-10. Review status: criteria provided, single submitter. Criteria: GeneDx Variant Classification Process June 2021. Collection method: clinical testing. Allele origin: germline. Affected: yes.
Comment: Not observed at significant frequency in large population cohorts (gnomAD); In silico analysis supports that this missense variant has a deleterious effect on protein structure/function; Has not been previously published as pathogenic or benign to our knowledge